The following is an entry in ClinVar:

ClinVar aggregate classification (germline): Uncertain significance. Review status: criteria provided, multiple submitters, no conflicts (2 of 4 stars). 3 submissions from 3 submitters: Uncertain significance (2). 1 of the submissions does not count toward it. Last evaluated 2025-08-11.

Conditions:
Autosomal recessive limb-girdle muscular dystrophy type 2A (LGMDR1). Also called: Muscular dystrophy, limb-girdle, type 2A, Amish; LEYDEN-MOEBIUS MUSCULAR DYSTROPHY; MUSCULAR DYSTROPHY, PELVOFEMORAL; Calpainopathy; Limb-girdle muscular dystrophy, type 2A. Identifiers: Orphanet 267, MedGen C1869123, MONDO:0009675, OMIM 253600. Disease mechanism: loss of function.

gnomAD v4.1: 1 of 1,613,806 alleles (0.000062%); highest among the groups gnomAD compares: Non-Finnish European, 0.000085%; no homozygotes.

Submissions (3):

Myriad Genetics, Inc.
Classification: Uncertain significance for Autosomal recessive limb-girdle muscular dystrophy type 2A. Last evaluated: 2025-08-11. Review status: criteria provided, single submitter. Criteria: Myriad Autosomal Dominant, Autosomal Recessive and X-Linked Classification Criteria (2023). Collection method: clinical testing. Allele origin: unknown.
Comment: NM_000070.2(CAPN3):c.2363G>A(R788K) is a missense variant classified as a variant of uncertain significance in the context of calpainopathy. R788K has been observed in a case with relevant disease (PMID: 39678382). Relevant functional assessments of this variant are not available in the literature. R788K has not been observed in referenced population frequency databases. In summary, there is insufficient evidence to classify NM_000070.2(CAPN3):c.2363G>A(R788K) as pathogenic or benign. Please note: this variant was assessed in the context of healthy population screening.

Labcorp Genetics (formerly Invitae), Labcorp
Classification: Uncertain significance for Autosomal recessive limb-girdle muscular dystrophy type 2A. Last evaluated: 2024-10-17. Review status: criteria provided, single submitter. Criteria: Invitae Variant Classification Sherloc (09022015). Collection method: clinical testing. Allele origin: germline.
Comment: This sequence change replaces arginine, which is basic and polar, with lysine, which is basic and polar, at codon 788 of the CAPN3 protein (p.Arg788Lys). This variant is not present in population databases (gnomAD no frequency). This variant has not been reported in the literature in individuals affected with CAPN3-related conditions. ClinVar contains an entry for this variant (Variation ID: 644926). Invitae Evidence Modeling of protein sequence and biophysical properties (such as structural, functional, and spatial information, amino acid conservation, physicochemical variation, residue mobility, and thermodynamic stability) indicates that this missense variant is not expected to disrupt CAPN3 protein function with a negative predictive value of 80%. In summary, the available evidence is currently insufficient to determine the role of this variant in disease. Therefore, it has been classified as a Variant of Uncertain Significance.

Natera, Inc.
Classification: Uncertain significance for Limb-girdle muscular dystrophy type 2A. Last evaluated: 2021-09-28. Review status: no assertion criteria provided. Collection method: clinical testing. Allele origin: germline. Not counted in ClinVar's aggregate classification.

Literature cited by the submitters: PubMed 39678382 (cited by Myriad Genetics, Inc.).

NM_000070.3(CAPN3):c.2363G>A (p.Arg788Lys)

Gene: CAPN3 (calpain 3; plus strand). Cytogenetic location: 15q15.1.
Variant type: single nucleotide variant.
Coding change: c.2363G>A on transcript NM_000070.3 (MANE Select); coding-DNA position 2363, G replaced by A.
Protein change: p.Arg788Lys; replaces arginine 788 with lysine.
Molecular consequence: missense variant.
Genome position (GRCh38, 1-based): chr15:42,410,983, G>A. VCF-style: chr15-42410983-G-A. GRCh37 (hg19) VCF-style: chr15-42703181-G-A.
Other names: c.2345G>A, p.Arg782Lys (NM_024344.2); c.2087G>A, p.Arg696Lys (NM_173087.2); c.827G>A, p.Arg276Lys (NM_173088.2); c.368G>A, p.Arg123Lys (NM_173089.2, NM_173090.2); short protein forms R788K, R696K, R123K, R276K, R782K.
Identifiers: ClinVar variation 644926 (VCV000644926.12), dbSNP rs769208910, ClinGen allele CA392002175.
Genomic context (GRCh38, chr15:42,410,983, plus strand): 5'-TGCGGTACGCAGACAAACACATGAACATCGACTTTGACAGTTTCATCTGCTGCTTCGTTA[G>A]GCTGGAGGGCATGTTCAGTAAGTGGGAGAGGGGGGCTGCCCTCTGCTCTCTTGCAGGGGC-3'
Protein context (NP_000061.1, residues 778-798): DFDSFICCFV[Arg788Lys]LEGMFRAFHA